The following is an entry in ClinVar:

NM_001079872.2(CUL4B):c.85A>G (p.Ser29Gly)

Genes: CUL4B (cullin 4B; minus strand), LOC113845788 (Sharpr-MPRA regulatory region 11856; plus strand). Cytogenetic location: Xq24.
Variant type: single nucleotide variant.
Coding change: c.85A>G on transcript NM_001079872.2 (MANE Select); coding-DNA position 85, A replaced by G.
Protein change: p.Ser29Gly; replaces serine 29 with glycine.
Molecular consequence: missense variant.
Genome position (GRCh38, 1-based): chrX:120,560,554, T>C on the plus strand (A>G on the coding strand, the complement: CUL4B is on the minus strand). VCF-style: chrX-120560554-T-C. GRCh37 (hg19) VCF-style: chrX-119694409-T-C.
Other names: c.100A>G, p.Ser34Gly (NM_001330624.2); c.139A>G, p.Ser47Gly (NM_003588.4); short protein forms S29G, S47G, S34G.
Identifiers: ClinVar variation 4991381 (VCV004991381.1).

ClinVar aggregate classification (germline): Uncertain significance (1 of 4 stars; one submission).

Conditions:
CUL4B-related disorder. Also called: CUL4B-related condition.

Submission:

PreventionGenetics, part of Exact Sciences
Classification: Uncertain significance for CUL4B-related condition. Last evaluated: 2026-02-11. Review status: criteria provided, single submitter. Criteria: ACMG Guidelines, 2015. Collection method: clinical testing. Allele origin: germline.
Comment: The CUL4B c.139A>G variant is predicted to result in the amino acid substitution p.Ser47Gly. To our knowledge, this variant has not been reported in the literature or in a large population database (gnomAD), indicating this variant is rare. At this time, the clinical significance of this variant is uncertain due to the absence of conclusive functional and genetic evidence.